The following is an entry in ClinVar:

ClinVar aggregate classification (germline): Uncertain significance (1 of 4 stars; one submission).

Conditions:
Nemaline myopathy 2 (NEM2). Also called: Nemaline myopathy 2, autosomal recessive. Identifiers: MedGen C1850569, MONDO:0009725, OMIM 256030.

Allele frequency attached by ClinVar (database versions not stated): gnomAD exomes below 0.00001.
gnomAD v4.1: 2 of 1,613,948 alleles (0.00012%); highest among the groups gnomAD compares: Non-Finnish European, 0.000085%; no homozygotes.

Submission:

Labcorp Genetics (formerly Invitae), Labcorp
Classification: Uncertain significance for Nemaline myopathy 2. Last evaluated: 2022-10-17. Review status: criteria provided, single submitter. Criteria: Invitae Variant Classification Sherloc (09022015). Collection method: clinical testing. Allele origin: germline.
Comment: This sequence change replaces valine, which is neutral and non-polar, with methionine, which is neutral and non-polar, at codon 3161 of the NEB protein (p.Val3161Met). This variant is not present in population databases (gnomAD no frequency). This variant has not been reported in the literature in individuals affected with NEB-related conditions. ClinVar contains an entry for this variant (Variation ID: 580351). Algorithms developed to predict the effect of missense changes on protein structure and function are either unavailable or do not agree on the potential impact of this missense change (SIFT: "Deleterious"; PolyPhen-2: "Not Available"; Align-GVGD: "Class C0"). In summary, the available evidence is currently insufficient to determine the role of this variant in disease. Therefore, it has been classified as a Variant of Uncertain Significance.

NM_001164508.2(NEB):c.9481G>A (p.Val3161Met)

Gene: NEB (nebulin; minus strand). Cytogenetic location: 2q23.3.
Variant type: single nucleotide variant.
Coding change: c.9481G>A on transcript NM_001164508.2 (MANE Select); coding-DNA position 9481, G replaced by A.
Protein change: p.Val3161Met; replaces valine 3161 with methionine.
Molecular consequence: missense variant. On other transcripts: intron variant (1).
Genome position (GRCh38, 1-based): chr2:151,631,280, C>T on the plus strand (G>A on the coding strand, the complement: NEB is on the minus strand). VCF-style: chr2-151631280-C-T. GRCh37 (hg19) VCF-style: chr2-152487794-C-T.
Other names: c.9481G>A, p.Val3161Met (NM_001164507.2, NM_001271208.2); c.8854-102G>A (NM_004543.5); short protein forms V3161M.
Identifiers: ClinVar variation 580351 (VCV000580351.3), dbSNP rs1560693635, ClinGen allele CA348801075.
Genomic context (GRCh38, chr2:151,631,280, plus strand): 5'-CCGGAGGCTGGCGGTAGATGTTATCACTCAGTATTTCGGTAGCTCTCTTGCACTTGACCA[C>T]ATCCATAGACCCAATGGGGACCCAGCCAATGCCTCTCAGCCACTGGAGATCTGACTTGTA-3'
Protein context (NP_001157980.2, residues 3151-3171): IGWVPIGSMD[Val3161Met]VKCKRATEIL